The following is an entry in ClinVar:

ClinVar aggregate classification (germline): Uncertain significance (1 of 4 stars; one submission).

gnomAD v4.1: 1 of 1,614,012 alleles (0.000062%); no homozygotes.

Submission:

GeneDx
Classification: Uncertain significance. Last evaluated: 2025-05-10. Review status: criteria provided, single submitter. Criteria: GeneDx Variant Classification Process June 2021. Collection method: clinical testing. Allele origin: germline. Affected: yes.
Comment: Not observed at significant frequency in large population cohorts (gnomAD); In silico analysis supports that this missense variant has a deleterious effect on protein structure/function; Has not been previously published as pathogenic or benign to our knowledge

NM_020778.5(ALPK3):c.353A>C (p.Asp118Ala)

Gene: ALPK3 (alpha kinase 3; plus strand). Cytogenetic location: 15q25.3.
Variant type: single nucleotide variant.
Coding change: c.353A>C on transcript NM_020778.5 (MANE Select); coding-DNA position 353, A replaced by C.
Protein change: p.Asp118Ala; replaces aspartic acid 118 with alanine.
Molecular consequence: missense variant.
Genome position (GRCh38, 1-based): chr15:84,839,028, A>C. VCF-style: chr15-84839028-A-C. GRCh37 (hg19) VCF-style: chr15-85382259-A-C.
Other names: short protein forms D118A.
Identifiers: ClinVar variation 4528238 (VCV004528238.1).
Genomic context (GRCh38, chr15:84,839,028, plus strand): 5'-CTTCTTTCTCAGGATACCCAGAGCCAGAGGTGACCTGGTACAAGGATGATACGGAGCTGG[A>C]CCGCTACTGTGGCTTGCCAAAATATGAGATCACTCATCAGGGCAACCGCCACACACTGCA-3'
Protein context (NP_065829.4, residues 108-128): VTWYKDDTEL[Asp118Ala]RYCGLPKYEI